The following is an entry in ClinVar:

ClinVar aggregate classification (germline): Benign/Likely benign. Review status: criteria provided, multiple submitters, no conflicts (2 of 4 stars). 7 submissions from 7 submitters: Benign (2); Likely benign (5). Last evaluated 2026-01-04.

Conditions:
Hereditary cancer-predisposing syndrome. Also called: Tumor predisposition; Hereditary neoplastic syndrome; Neoplastic Syndromes, Hereditary; Hereditary Cancer Syndrome. Identifiers: Orphanet 140162, MedGen C0027672, MeSH D009386, MONDO:0015356.
Familial adenomatous polyposis 3. Also called: NTHL1 Tumor Syndrome; NTHL1-Related Adenomatous Polyposis and Colorectal Cancer; NTHL1-associated polyposis; NTHL1-related attenuated familial adenomatous polyposis. Identifiers: Orphanet 220460, Orphanet 454840, MedGen C4225157, MONDO:0014630, OMIM 616415.

Allele frequency attached by ClinVar (database versions not stated): gnomAD 0.00001 and 0.00013; TOPMed 0.00002; gnomAD exomes 0.00022 and 0.00051; 1000 Genomes Project 0.00060; 1000 Genomes Project 30x 0.00062; ExAC 0.00065.
gnomAD v4.1: 341 of 1,603,718 alleles (0.021%); highest among the groups gnomAD compares: South Asian, 0.33%; 4 homozygotes.

Submissions (7):

Labcorp Genetics (formerly Invitae), Labcorp
Classification: Benign. Last evaluated: 2026-01-04. Review status: criteria provided, single submitter. Criteria: Invitae Variant Classification Sherloc (09022015). Collection method: clinical testing. Allele origin: germline.

Molecular Diagnostics Laboratory, Catalan Institute of Oncology
Classification: Likely benign for Hereditary cancer-predisposing syndrome. Last evaluated: 2025-05-19. Review status: criteria provided, single submitter. Criteria: ACMG Guidelines, 2015. Collection method: clinical testing. Allele origin: germline.
Comment: BS2_Supporting, BP4, BP7 c.924C>T (NM_002528.5) or c.900C>T (NM_002528.7), located in exon 6 of the NTHL1 gene is predicted to result in no amino acid change, p.(Ala308=)(NM_002528.5) or p.(Ala300=)(NM_002528.7)(BP7).This variant is found in 119/30476 (3 homozygous), with a filter allele frequency of 0.31% at 99% confidence in the gnomAD v2.1.1 database (South Asian non-cancer data set)(BS2_Supporting). SpliceAI algorithm predicts no significant impact on splicing (BP4). In addition, the variant was identified in the ClinVar database (3x likely benign, 2x benign) but it has not been identified in LOVD database. To our knowledge, neither relevant clinical data nor functional studies have been reported for this variant. Based on currently available information, the variant c.924C>T (NM_002528.5) or c.900C>T (NM_002528.7) is classified as a likely benign variant according to ACMG guidelines.

Blueprint Genetics
Classification: Likely benign. Last evaluated: 2024-10-08. Review status: criteria provided, single submitter. Criteria: ACMG Guidelines, 2015. Collection method: clinical testing. Allele origin: germline.

Department of Pathology and Laboratory Medicine, Sinai Health System
Classification: Benign for Familial adenomatous polyposis 3. Last evaluated: 2023-03-16. Review status: criteria provided, single submitter. Criteria: ACMG Guidelines, 2015. Collection method: clinical testing. Allele origin: germline. Affected: yes.

Sema4
Classification: Likely benign for Hereditary cancer-predisposing syndrome. Last evaluated: 2022-03-10. Review status: criteria provided, single submitter. Criteria: Sema4 Curation Guidelines. Collection method: curation. Allele origin: germline.

GeneDx
Classification: Likely benign. Last evaluated: 2021-03-09. Review status: criteria provided, single submitter. Criteria: GeneDx Variant Classification Process June 2021. Collection method: clinical testing. Allele origin: germline. Affected: yes.

Ambry Genetics
Classification: Likely benign for Hereditary cancer-predisposing syndrome. Last evaluated: 2020-08-20. Review status: criteria provided, single submitter. Criteria: Ambry Variant Classification Scheme 2023. Collection method: clinical testing. Allele origin: germline.

NM_002528.7(NTHL1):c.900C>T (p.Ala300=)

Gene: NTHL1 (nth like DNA glycosylase 1; minus strand). Cytogenetic location: 16p13.3.
Variant type: single nucleotide variant.
Coding change: c.900C>T on transcript NM_002528.7 (MANE Select); coding-DNA position 900, C replaced by T.
Protein change: p.Ala300=; no amino-acid change (alanine 300 retained).
Molecular consequence: synonymous variant.
Genome position (GRCh38, 1-based): chr16:2,039,939, G>A on the plus strand (C>T on the coding strand, the complement: NTHL1 is on the minus strand). VCF-style: chr16-2039939-G-A. GRCh37 (hg19) VCF-style: chr16-2089940-G-A.
Other names: c.729C>T, p.Ala243= (NM_001318193.2); c.570C>T, p.Ala190= (NM_001318194.2).
Identifiers: ClinVar variation 757993 (VCV000757993.19), dbSNP rs569494714, ClinGen allele CA7828065.